The following is an entry in ClinVar:

ClinVar aggregate classification (germline): Uncertain significance. Review status: criteria provided, multiple submitters, no conflicts (2 of 4 stars). 2 submissions from 2 submitters: Uncertain significance (2). Last evaluated 2022-11-01.

Conditions:
Inborn genetic diseases. Identifiers: MedGen C0950123, MeSH D030342.
Neuronal ceroid lipofuscinosis. Also called: Neuronal Ceroid Lipofuscinoses. Identifiers: Orphanet 216, Orphanet 79263, MedGen C0027877, MONDO:0016295. Disease mechanism: loss of function.

Allele frequency attached by ClinVar (database versions not stated): gnomAD 0.00001; gnomAD exomes 0.00001; TOPMed 0.00001; ExAC 0.00002.
gnomAD v4.1: 19 of 1,613,766 alleles (0.0012%); highest among the groups gnomAD compares: Middle Eastern, 0.016%; no homozygotes.

Submissions (2):

Labcorp Genetics (formerly Invitae), Labcorp
Classification: Uncertain significance for Neuronal ceroid lipofuscinosis. Last evaluated: 2022-11-01. Review status: criteria provided, single submitter. Criteria: Invitae Variant Classification Sherloc (09022015). Collection method: clinical testing. Allele origin: germline.
Comment: This sequence change replaces serine, which is neutral and polar, with leucine, which is neutral and non-polar, at codon 37 of the CTSD protein (p.Ser37Leu). This variant is present in population databases (rs767173878, gnomAD 0.006%). This variant has not been reported in the literature in individuals affected with CTSD-related conditions. Algorithms developed to predict the effect of missense changes on protein structure and function (SIFT, PolyPhen-2, Align-GVGD) all suggest that this variant is likely to be tolerated. In summary, the available evidence is currently insufficient to determine the role of this variant in disease. Therefore, it has been classified as a Variant of Uncertain Significance.

Ambry Genetics
Classification: Uncertain significance for Inborn genetic diseases. Last evaluated: 2019-09-30. Review status: criteria provided, single submitter. Criteria: Ambry Variant Classification Scheme 2023. Collection method: clinical testing. Allele origin: germline.
Comment: The p.S37L variant (also known as c.110C>T), located in coding exon 2 of the CTSD gene, results from a C to T substitution at nucleotide position 110. The serine at codon 37 is replaced by leucine, an amino acid with dissimilar properties. This amino acid position is poorly conserved in available vertebrate species. In addition, this alteration is predicted to be tolerated by in silico analysis. Since supporting evidence is limited at this time, the clinical significance of this alteration remains unclear.

NM_001909.5(CTSD):c.110C>T (p.Ser37Leu)

Genes: CTSD (cathepsin D; minus strand), PRADX (PRC2 and DDX5 associated lncRNA; plus strand). Cytogenetic location: 11p15.5.
Variant type: single nucleotide variant.
Coding change: c.110C>T on transcript NM_001909.5 (MANE Select); coding-DNA position 110, C replaced by T.
Protein change: p.Ser37Leu; replaces serine 37 with leucine.
Molecular consequence: missense variant.
Genome position (GRCh38, 1-based): chr11:1,761,427, G>A on the plus strand (C>T on the coding strand, the complement: CTSD is on the minus strand). VCF-style: chr11-1761427-G-A. GRCh37 (hg19) VCF-style: chr11-1782657-G-A.
Other names: short protein forms S37L.
Identifiers: ClinVar variation 1794749 (VCV001794749.4), dbSNP rs767173878, ClinGen allele CA5814291.